The following is an entry in ClinVar:

ClinVar aggregate classification (germline): Uncertain significance. Review status: criteria provided, multiple submitters, no conflicts (2 of 4 stars). 2 submissions from 2 submitters: Uncertain significance (2). Last evaluated 2024-07-03.

Conditions:
Acrocallosal syndrome (ACLS). Also called: HALLUX DUPLICATION, POSTAXIAL POLYDACTYLY, AND ABSENCE OF CORPUS CALLOSUM; Schinzel syndrome 1; Absence of corpus callosum with unusual facial appearance, mental deficiency, duplication of the halluces and polydactyly. Identifiers: Orphanet 36, MedGen C0796147, MONDO:0008708, OMIM 200990.

Allele frequency attached by ClinVar (database versions not stated): TOPMed below 0.00001; ExAC 0.00002; gnomAD 0.00002; gnomAD exomes 0.00002 and 0.00005.
gnomAD v4.1: 70 of 1,613,636 alleles (0.0043%); highest among the groups gnomAD compares: Non-Finnish European, 0.0052%; no homozygotes.

Submissions (2):

GeneDx
Classification: Uncertain significance. Last evaluated: 2024-07-03. Review status: criteria provided, single submitter. Criteria: GeneDx Variant Classification Process June 2021. Collection method: clinical testing. Allele origin: germline. Affected: yes.
Comment: Has not been previously published as pathogenic or benign to our knowledge; Not observed at a significant frequency in large population cohorts (gnomAD); In silico analysis supports that this missense variant does not alter protein structure/function

Labcorp Genetics (formerly Invitae), Labcorp
Classification: Uncertain significance for Acrocallosal syndrome. Last evaluated: 2023-12-11. Review status: criteria provided, single submitter. Criteria: Invitae Variant Classification Sherloc (09022015). Collection method: clinical testing. Allele origin: germline.
Comment: This sequence change replaces alanine, which is neutral and non-polar, with threonine, which is neutral and polar, at codon 1216 of the KIF7 protein (p.Ala1216Thr). This variant is present in population databases (rs748648030, gnomAD 0.005%). This variant has not been reported in the literature in individuals affected with KIF7-related conditions. ClinVar contains an entry for this variant (Variation ID: 1518945). Advanced modeling of protein sequence and biophysical properties (such as structural, functional, and spatial information, amino acid conservation, physicochemical variation, residue mobility, and thermodynamic stability) performed at Invitae indicates that this missense variant is not expected to disrupt KIF7 protein function with a negative predictive value of 80%. In summary, the available evidence is currently insufficient to determine the role of this variant in disease. Therefore, it has been classified as a Variant of Uncertain Significance.

NM_198525.3(KIF7):c.3646G>A (p.Ala1216Thr)

Genes: KIF7 (kinesin family member 7; minus strand), LOC126862216 (BRD4-independent group 4 enhancer GRCh37_chr15:90171995-90173194; plus strand). Cytogenetic location: 15q26.1.
Variant type: single nucleotide variant.
Coding change: c.3646G>A on transcript NM_198525.3 (MANE Select); coding-DNA position 3646, G replaced by A.
Protein change: p.Ala1216Thr; replaces alanine 1216 with threonine.
Molecular consequence: missense variant.
Genome position (GRCh38, 1-based): chr15:89,628,994, C>T on the plus strand (G>A on the coding strand, the complement: KIF7 is on the minus strand). VCF-style: chr15-89628994-C-T. GRCh37 (hg19) VCF-style: chr15-90172225-C-T.
Other names: c.3646G>A (NM_198525.2); short protein forms A1216T.
Identifiers: ClinVar variation 1518945 (VCV001518945.6), dbSNP rs748648030, ClinGen allele CA7727607.